The following is an entry in ClinVar:

NM_002439.5(MSH3):c.724C>T (p.Gln242Ter)

Gene: MSH3 (mutS homolog 3; plus strand). Cytogenetic location: 5q14.1.
Variant type: single nucleotide variant.
Coding change: c.724C>T on transcript NM_002439.5 (MANE Select); coding-DNA position 724, C replaced by T.
Protein change: p.Gln242Ter; replaces glutamine 242 with a stop codon.
Molecular consequence: nonsense.
Genome position (GRCh38, 1-based): chr5:80,670,241, C>T. VCF-style: chr5-80670241-C-T. GRCh37 (hg19) VCF-style: chr5-79966060-C-T.
Other names: c.724C>T (NM_002439.3); short protein forms Q242*.
Identifiers: ClinVar variation 1068925 (VCV001068925.13), dbSNP rs772046189, ClinGen allele CA3327687.

ClinVar aggregate classification (germline): Pathogenic/Likely pathogenic. Review status: criteria provided, multiple submitters, no conflicts (2 of 4 stars). 4 submissions from 4 submitters: Pathogenic (3); Likely pathogenic (1). Last evaluated 2025-07-15.

Conditions:
Familial adenomatous polyposis 4 (FAP4). Also called: MSH3-related attenuated familial adenomatous polyposis. Identifiers: Orphanet 480536, MedGen C4310719, MONDO:0044300, OMIM 617100.
Hereditary cancer-predisposing syndrome. Also called: Hereditary neoplastic syndrome; Tumor predisposition; Hereditary Cancer Syndrome; Neoplastic Syndromes, Hereditary. Identifiers: Orphanet 140162, MedGen C0027672, MeSH D009386, MONDO:0015356.
Endometrial carcinoma. Also called: Endometrial carcinoma, somatic. Identifiers: MedGen C0476089, MONDO:0002447, OMIM 608089, HP:0012114.

Allele frequency attached by ClinVar (database versions not stated): gnomAD exomes below 0.00001 and 0.00001; ExAC 0.00001.

Submissions (4):

Labcorp Genetics (formerly Invitae), Labcorp
Classification: Pathogenic. Last evaluated: 2025-07-15. Review status: criteria provided, single submitter. Criteria: Invitae Variant Classification Sherloc (09022015). Collection method: clinical testing. Allele origin: germline.
Comment: This sequence change creates a premature translational stop signal (p.Gln242*) in the MSH3 gene. It is expected to result in an absent or disrupted protein product. Loss-of-function variants in MSH3 are known to be pathogenic (PMID: 27476653, 37402566). This variant is present in population databases (rs772046189, gnomAD 0.01%). This variant has not been reported in the literature in individuals affected with MSH3-related conditions. ClinVar contains an entry for this variant (Variation ID: 1068925). For these reasons, this variant has been classified as Pathogenic.

Baylor Genetics
Classification: Likely pathogenic for Endometrial carcinoma. Last evaluated: 2024-03-10. Review status: criteria provided, single submitter. Criteria: ACMG Guidelines, 2015. Collection method: clinical testing. Allele origin: unknown.

Myriad Genetics, Inc.
Classification: Pathogenic for Familial adenomatous polyposis 4. Last evaluated: 2023-08-29. Review status: criteria provided, single submitter. Criteria: Myriad Autosomal Dominant, Autosomal Recessive and X-Linked Classification Criteria (2023). Collection method: clinical testing. Allele origin: unknown.
Comment: This variant is considered pathogenic. This variant creates a termination codon and is predicted to result in premature protein truncation.

Ambry Genetics
Classification: Pathogenic for Hereditary cancer-predisposing syndrome. Last evaluated: 2023-06-30. Review status: criteria provided, single submitter. Criteria: Ambry Variant Classification Scheme 2023. Collection method: clinical testing. Allele origin: germline.
Comment: The p.Q242* pathogenic mutation (also known as c.724C>T), located in coding exon 4 of the MSH3 gene, results from a C to T substitution at nucleotide position 724. This changes the amino acid from a glutamine to a stop codon within coding exon 4. This variant is considered to be rare based on population cohorts in the Genome Aggregation Database (gnomAD). This alteration is expected to result in loss of function by premature protein truncation or nonsense-mediated mRNA decay. As such, this alteration is interpreted as a disease-causing mutation.

Literature cited by the submitters: PubMed 27476653 (cited by Labcorp Genetics (formerly Invitae), Labcorp); PubMed 37402566 (cited by Labcorp Genetics (formerly Invitae), Labcorp).